The following is an entry in ClinVar:

ClinVar aggregate classification (germline): Uncertain significance. Review status: criteria provided, multiple submitters, no conflicts (2 of 4 stars). 2 submissions from 2 submitters: Uncertain significance (2). Last evaluated 2024-01-02.

Conditions:
Inborn genetic diseases. Identifiers: MedGen C0950123, MeSH D030342.
Ellis-van Creveld syndrome (EVC). Also called: EVC-Related Ellis-van Creveld Syndrome; EVC2-Related Ellis-van Creveld Syndrome; MESOECTODERMAL DYSPLASIA; Chondroectodermal dysplasia. Identifiers: Orphanet 289, MedGen C0013903, MONDO:0009162, OMIM 225500.
Curry-Hall syndrome (WAD). Also called: WEYERS ACRODENTAL DYSOSTOSIS. Identifiers: Orphanet 952, MedGen C0457013, MONDO:0008673, OMIM 193530.

Submissions (2):

Ambry Genetics
Classification: Uncertain significance for Inborn genetic diseases. Last evaluated: 2024-01-02. Review status: criteria provided, single submitter. Criteria: Ambry Variant Classification Scheme 2023. Collection method: clinical testing. Allele origin: germline.

Labcorp Genetics (formerly Invitae), Labcorp
Classification: Uncertain significance for Curry-Hall syndrome; Ellis-van Creveld syndrome. Last evaluated: 2021-08-16. Review status: criteria provided, single submitter. Criteria: Invitae Variant Classification Sherloc (09022015). Collection method: clinical testing. Allele origin: germline.
Comment: This sequence change replaces alanine with valine at codon 1260 of the EVC2 protein (p.Ala1260Val). The alanine residue is moderately conserved and there is a small physicochemical difference between alanine and valine. This variant is not present in population databases (ExAC no frequency). This variant has not been reported in the literature in individuals affected with EVC2-related conditions. Algorithms developed to predict the effect of missense changes on protein structure and function output the following: SIFT: "Tolerated"; PolyPhen-2: "Benign"; Align-GVGD: "Class C0". The valine amino acid residue is found in multiple mammalian species, which suggests that this missense change does not adversely affect protein function. In summary, the available evidence is currently insufficient to determine the role of this variant in disease. Therefore, it has been classified as a Variant of Uncertain Significance.

NM_147127.5(EVC2):c.3779C>T (p.Ala1260Val)

Gene: EVC2 (EvC ciliary complex subunit 2; minus strand). Cytogenetic location: 4p16.2.
Variant type: single nucleotide variant.
Coding change: c.3779C>T on transcript NM_147127.5 (MANE Select); coding-DNA position 3779, C replaced by T.
Protein change: p.Ala1260Val; replaces alanine 1260 with valine.
Molecular consequence: missense variant.
Genome position (GRCh38, 1-based): chr4:5,562,996, G>A on the plus strand (C>T on the coding strand, the complement: EVC2 is on the minus strand). VCF-style: chr4-5562996-G-A. GRCh37 (hg19) VCF-style: chr4-5564723-G-A.
Other names: c.3779C>T (NM_147127.4); c.3539C>T, p.Ala1180Val (NM_001166136.2); short protein forms A1180V, A1260V.
Identifiers: ClinVar variation 1474732 (VCV001474732.5), dbSNP rs894829697, ClinGen allele CA356146568.